The following is an entry in ClinVar:

NM_002485.5(NBN):c.1274G>C (p.Arg425Thr)

Gene: NBN (nibrin; minus strand). Cytogenetic location: 8q21.3.
Variant type: single nucleotide variant.
Coding change: c.1274G>C on transcript NM_002485.5 (MANE Select); coding-DNA position 1274, G replaced by C.
Protein change: p.Arg425Thr; replaces arginine 425 with threonine.
Molecular consequence: missense variant.
Genome position (GRCh38, 1-based): chr8:89,955,406, C>G on the plus strand (G>C on the coding strand, the complement: NBN is on the minus strand). VCF-style: chr8-89955406-C-G. GRCh37 (hg19) VCF-style: chr8-90967634-C-G.
Other names: c.1028G>C, p.Arg343Thr (NM_001024688.3); short protein forms R343T, R425T.
Identifiers: ClinVar variation 1010104 (VCV001010104.8), dbSNP rs1060503478, ClinGen allele CA371656218.

ClinVar aggregate classification (germline): Uncertain significance (1 of 4 stars; one submission).

Conditions:
Microcephaly, normal intelligence and immunodeficiency (NBS). Also called: SEEMANOVA SYNDROME II; IMMUNODEFICIENCY, MICROCEPHALY, AND CHROMOSOMAL INSTABILITY; Ataxia telangiectasia variant V1; BERLIN BREAKAGE SYNDROME; Nijmegen breakage syndrome; Microcephaly with normal intelligence immunodeficiency and lymphoreticular malignancies. Identifiers: Orphanet 647, MedGen C0398791, MONDO:0009623, OMIM 251260.

Submission:

Labcorp Genetics (formerly Invitae), Labcorp
Classification: Uncertain significance for Microcephaly, normal intelligence and immunodeficiency. Last evaluated: 2021-02-18. Review status: criteria provided, single submitter. Criteria: Invitae Variant Classification Sherloc (09022015). Collection method: clinical testing. Allele origin: germline.
Comment: This sequence change replaces arginine with threonine at codon 425 of the NBN protein (p.Arg425Thr). The arginine residue is weakly conserved and there is a moderate physicochemical difference between arginine and threonine. This variant is not present in population databases (ExAC no frequency). This variant has not been reported in the literature in individuals with NBN-related conditions. Algorithms developed to predict the effect of missense changes on protein structure and function output the following: SIFT: "Tolerated"; PolyPhen-2: "Benign"; Align-GVGD: "Class C0". The threonine amino acid residue is found in multiple mammalian species, suggesting that this missense change does not adversely affect protein function. These predictions have not been confirmed by published functional studies and their clinical significance is uncertain. In summary, the available evidence is currently insufficient to determine the role of this variant in disease. Therefore, it has been classified as a Variant of Uncertain Significance.